The following is an entry in ClinVar:

ClinVar aggregate classification (germline): Benign. Review status: criteria provided, multiple submitters, no conflicts (2 of 4 stars). 3 submissions from 3 submitters: Benign (2). 1 of the submissions does not count toward it. Last evaluated 2019-12-31.

Conditions:
PXDNL-related disorder. Also called: PXDNL-related condition.

Allele frequency attached by ClinVar (database versions not stated): gnomAD exomes 0.00253 and 0.00645; ExAC 0.00831; gnomAD 0.02620 and 0.02822; ESP Exome Variant Server 0.02727; TOPMed 0.02937; 1000 Genomes Project 0.03135; 1000 Genomes Project 30x 0.03154.
gnomAD v4.1: 7,842 of 1,608,406 alleles (0.49%); highest among the groups gnomAD compares: African/African-American, 9.2%; 347 homozygotes.

Submissions (3):

Labcorp Genetics (formerly Invitae), Labcorp
Classification: Benign. Last evaluated: 2019-12-31. Review status: criteria provided, single submitter. Criteria: Invitae Variant Classification Sherloc (09022015). Collection method: clinical testing. Allele origin: germline.

Breakthrough Genomics
Classification: Benign. Review status: criteria provided, single submitter. Criteria: ACMG Guidelines, 2015. Collection method: not provided. Allele origin: germline. Inheritance: Unknown mechanism. Affected: yes.

PreventionGenetics, part of Exact Sciences
Classification: Benign for PXDNL-related condition. Last evaluated: 2019-11-25. Review status: no assertion criteria provided. Collection method: clinical testing. Allele origin: germline. Not counted in ClinVar's aggregate classification.
Comment: This variant is classified as benign based on ACMG/AMP sequence variant interpretation guidelines (Richards et al. 2015 PMID: 25741868, with internal and published modifications).

NM_144651.5(PXDNL):c.165-10A>G

Gene: PXDNL (peroxidasin like; minus strand). Cytogenetic location: 8q11.22.
Variant type: single nucleotide variant.
Coding change: c.165-10A>G on transcript NM_144651.5 (MANE Select); 10 bases into the intron before coding-DNA position 165, A replaced by G.
Molecular consequence: intron variant.
Genome position (GRCh38, 1-based): chr8:51,654,770, T>C on the plus strand (A>G on the coding strand, the complement: PXDNL is on the minus strand). VCF-style: chr8-51654770-T-C. GRCh37 (hg19) VCF-style: chr8-52567330-T-C.
Identifiers: ClinVar variation 768240 (VCV000768240.7), dbSNP rs16916663, ClinGen allele CA4745730.